The following is an entry in ClinVar:

NM_015268.4(DNAJC13):c.932+16del

Gene: DNAJC13 (DnaJ heat shock protein family (Hsp40) member C13; plus strand). Cytogenetic location: 3q22.1.
Variant type: Deletion.
Coding change: c.932+16del on transcript NM_015268.4 (MANE Select); 16 bases into the intron after coding-DNA position 932, one base deleted (T; older notation c.932+16delT).
Molecular consequence: intron variant.
Genome position (GRCh38, 1-based): chr3:132,454,173, T deleted; the last of 13 consecutive T bases (chr3:132,454,161-132,454,173); deleting any one gives the same sequence. VCF-style (leftmost placement, unchanged base first): chr3-132454160-AT-A. GRCh37 (hg19) VCF-style: chr3-132173004-AT-A.
Other names: p.?; c.932+16del (NM_001329126.2, NM_015268.3).
Identifiers: ClinVar variation 767932 (VCV000767932.7), dbSNP rs57786343, ClinGen allele CA2618563.

ClinVar aggregate classification (germline): Benign. Review status: criteria provided, multiple submitters, no conflicts (2 of 4 stars). 3 submissions from 3 submitters: Benign (3). Last evaluated 2024-02-16.

Submissions (3):

Mayo Clinic Laboratories, Mayo Clinic
Classification: Benign. Last evaluated: 2024-02-16. Review status: criteria provided, single submitter. Criteria: ACMG Guidelines, 2015. Collection method: clinical testing. Allele origin: germline. Observed: 298 variant alleles.
Comment: BA1, BP4, BP7

GeneDx
Classification: Benign. Last evaluated: 2020-12-04. Review status: criteria provided, single submitter. Criteria: GeneDx Variant Classification Process June 2021. Collection method: clinical testing. Allele origin: germline. Affected: yes.

Labcorp Genetics (formerly Invitae), Labcorp
Classification: Benign. Last evaluated: 2019-10-30. Review status: criteria provided, single submitter. Criteria: Invitae Variant Classification Sherloc (09022015). Collection method: clinical testing. Allele origin: germline.